The following continues an entry in ClinVar:

NM_006767.4(LZTR1):c.264-13G>A

Gene: LZTR1. ClinVar aggregate classification (germline): Conflicting classifications of pathogenicity. Pathogenic (6); Likely pathogenic (9); Uncertain significance (1).

Submissions 8 to 18 of 18:

Ambry Genetics
Classification: Pathogenic for Cardiovascular phenotype; Hereditary cancer-predisposing syndrome. Last evaluated: 2024-02-27. Review status: criteria provided, single submitter. Criteria: Ambry Variant Classification Scheme 2023. Collection method: clinical testing. Allele origin: germline.
Comment: The c.264-13G>A intronic pathogenic mutation results from a G to A substitution 13 nucleotides upstream from coding exon 3 in the LZTR1 gene. This alteration has been identified in multiple individuals diagnosed with schwannomatosis and has been reported to segregate with disease in one family (Piotrowski A et al. Nat. Genet., 2014 Feb;46:182-7; Louvrier C et al. Neuro-oncology, 2018 06;20:917-929; Deiller C et al. Eur J Med Genet, 2019 Aug;62:103680). In silico splice site analysis predicts that this alteration will weaken the native splice acceptor site and will result in the creation or strengthening of a novel splice acceptor site. RNA studies confirm that the predicted alternate splice acceptor site is utilized, resulting in the inclusion of 11 intronic nucleotides at the beginning of coding exon 3 and a frameshift (r.263_264ins264-11_264-1 p.K89Cfs*16) (Piotrowski A et al. Nat. Genet., 2014 Feb;46:182-7; Ambry internal data). This nucleotide position is not well conserved in available vertebrate species. Based on the supporting evidence, this variant is pathogenic for an increased risk of LZTR1-related schwannomatosis (SWN) and would be expected to cause autosomal recessive Noonan syndrome when present along with a second pathogenic or likely pathogenic variant on the other allele; however, the association of this alteration with autosomal dominant Noonan syndrome is unlikely.

Greenwood Genetic Center Diagnostic Laboratories, Greenwood Genetic Center
Classification: Likely pathogenic for LZTR1-related schwannomatosis. Last evaluated: 2024-02-21. Review status: criteria provided, single submitter. Criteria: ACMG Guidelines, 2015. Collection method: clinical testing. Allele origin: germline. Affected: yes.
Comment: PS3_Very Strong

Fulgent Genetics
Classification: Likely pathogenic for Noonan syndrome 2; LZTR1-related schwannomatosis; Noonan syndrome 10. Last evaluated: 2024-01-03. Review status: criteria provided, single submitter. Criteria: ACMG Guidelines, 2015. Collection method: clinical testing. Allele origin: germline.

Baylor Genetics
Classification: Likely pathogenic for LZTR1-related schwannomatosis. Last evaluated: 2023-12-23. Review status: criteria provided, single submitter. Criteria: ACMG Guidelines, 2015. Collection method: clinical testing. Allele origin: unknown.

Blueprint Genetics
Classification: Uncertain significance. Last evaluated: 2022-10-11. Review status: criteria provided, single submitter. Criteria: ACMG Guidelines, 2015. Collection method: clinical testing. Allele origin: germline.

MGZ Medical Genetics Center
Classification: Likely pathogenic for LZTR1-related schwannomatosis. Last evaluated: 2021-09-01. Review status: criteria provided, single submitter. Criteria: ACMG Guidelines, 2015. Collection method: clinical testing. Allele origin: germline. Affected: yes. Observed: 1 variant allele.
Comment: ACMG criteria applied: PS4, PM2_SUP, PP3

Institute of Medical Genetics and Applied Genomics, University Hospital Tübingen
Classification: Likely pathogenic. Last evaluated: 2021-02-01. Review status: criteria provided, single submitter. Criteria: ACMG Guidelines, 2015. Collection method: clinical testing. Allele origin: germline. Inheritance: Autosomal dominant inheritance. Affected: yes.

Juno Genomics, Hangzhou Juno Genomics, Inc
Classification: Likely pathogenic for Noonan syndrome 2. Review status: criteria provided, single submitter. Criteria: ACMG Guidelines, 2015. Collection method: clinical testing. Allele origin: germline. Affected: yes.
Comment: Absent from controls (or at extremely low frequency if recessive) in Genome Aggregation Database, Exome Sequencing Project, 1000 Genomes Project, or Exome Aggregation Consortium.;Well-established in vitro or in vivo functional studies supportive of a damaging effect on the gene or gene product.;For recessive disorders, detected in trans with a pathogenic variant.

Juno Genomics, Hangzhou Juno Genomics, Inc
Classification: Pathogenic for LZTR1-related schwannomatosis; Noonan syndrome 10; Noonan syndrome 2. Review status: criteria provided, single submitter. Criteria: ACMG Guidelines, 2015. Collection method: clinical testing. Allele origin: germline.
Comment: Null variant in a gene where loss of function (LOF) is a known mechanism of disease.;For recessive disorders, detected in trans with a pathogenic variant.;The prevalence of the variant in affected individuals is significantly increased compared to the prevalence in controls.

OMIM
Classification: Pathogenic for SCHWANNOMATOSIS 2. Last evaluated: 2014-02-01. Review status: no assertion criteria provided. Collection method: literature only. Allele origin: unknown. Not counted in ClinVar's aggregate classification.

Department of Genetics, Rouen University Hospital, Normandy Center for Genomic and Personalized Medicine
Classification: Uncertain significance for Developmental disorder. Review status: flagged submission. Criteria: ACMG Guidelines, 2015. Collection method: clinical testing. Allele origin: unknown. Affected: yes. Not counted in ClinVar's aggregate classification.
ClinVar note: Reason: Outlier claim with insufficient supporting evidence

Literature cited by the submitters: PubMed 24362817 (cited by 5 submitters); PubMed 31128261 (cited by 3 submitters); PubMed 31438995 (cited by 3 submitters); PubMed 29409008 (cited by Institute for Genomic Medicine (IGM) Clinical Laboratory, Nationwide Children's Hospital and Women's Health and Genetics/Laboratory Corporation of America, LabCorp); PubMed 27921248 (cited by Women's Health and Genetics/Laboratory Corporation of America, LabCorp).